The following is an entry in ClinVar:

NM_001348716.2(KDM6B):c.753ACC[12] (p.Pro264del)

Gene: KDM6B (lysine demethylase 6B; plus strand). Cytogenetic location: 17p13.1.
Variant type: Microsatellite.
Coding change: c.753ACC[12] on transcript NM_001348716.2 (MANE Select); 12 copies in a row of the 3-base unit ACC starting at c.753; the reference has 13 copies in a row; one copy, 3 bases deleted.
Protein change: p.Pro264del; deletes proline 264.
Molecular consequence: inframe deletion.
Genome position (GRCh38, 1-based): chr17:7,846,896-7,846,898, ACC deleted; deleting any 3 consecutive bases within chr17:7,846,860-7,846,898 gives the same sequence; the position shown is the placement nearest the transcript's 3' end. VCF-style (leftmost placement, unchanged base first): chr17-7846859-TACC-T. GRCh37 (hg19) VCF-style: chr17-7750177-TACC-T.
Other names: c.753ACC[12], p.Pro264del (NM_001080424.2); c.789_791delACC (NM_001080424.1); short protein forms P264del.
Identifiers: ClinVar variation 1300010 (VCV001300010.4), dbSNP rs61462443, ClinGen allele CA8360356.
Genomic context (GRCh38, chr17:7,846,859, plus strand): 5'-CACACTCTCTTCTCTCCTAGACTGGCCTTCCCCCAGGGCTGCCACTGCCTCCACCACCAT[TACC>T]ACCACCACCACCACCACCACCACCACCACCACCACCCCTGCCTGGCCTGGCTACCAGCCC-3'

ClinVar aggregate classification (germline): Benign. Review status: criteria provided, single submitter (1 of 4 stars). 4 submissions from 4 submitters: Benign (1). 3 of the submissions do not count toward it. Last evaluated 2025-02-16.

Conditions:
KDM6B-related disorder. Also called: KDM6B-related condition.

Submissions (4):

Laboratory of Genetics, Children's Clinical University Hospital Latvia
Classification: Benign. Last evaluated: 2025-02-16. Review status: criteria provided, single submitter. Criteria: ACMG Guidelines, 2015. Collection method: clinical testing. Allele origin: germline. Affected: yes.

PreventionGenetics, part of Exact Sciences
Classification: Benign for KDM6B-related condition. Last evaluated: 2019-10-31. Review status: no assertion criteria provided. Collection method: clinical testing. Allele origin: germline. Not counted in ClinVar's aggregate classification.
Comment: This variant is classified as benign based on ACMG/AMP sequence variant interpretation guidelines (Richards et al. 2015 PMID: 25741868, with internal and published modifications).

Clinical Genetics DNA and cytogenetics Diagnostics Lab, Erasmus MC, Erasmus Medical Center
Classification: Benign. Review status: no assertion criteria provided. Collection method: clinical testing. Allele origin: germline. Affected: yes. Study: VKGL Data-share Consensus. Not counted in ClinVar's aggregate classification.

Laboratory of Diagnostic Genome Analysis, Leiden University Medical Center (LUMC)
Classification: Likely benign. Review status: no assertion criteria provided. Collection method: clinical testing. Allele origin: germline. Affected: yes. Study: VKGL Data-share Consensus. Not counted in ClinVar's aggregate classification.